The following is an entry in ClinVar:

NM_000632.4(ITGAM):c.2716A>C (p.Asn906His)

Gene: ITGAM (integrin subunit alpha M; plus strand). Cytogenetic location: 16p11.2.
Variant type: single nucleotide variant.
Coding change: c.2716A>C on transcript NM_000632.4 (MANE Select); coding-DNA position 2716, A replaced by C.
Protein change: p.Asn906His; replaces asparagine 906 with histidine.
Molecular consequence: missense variant.
Genome position (GRCh38, 1-based): chr16:31,328,154, A>C. VCF-style: chr16-31328154-A-C. GRCh37 (hg19) VCF-style: chr16-31339475-A-C.
Other names: c.2719A>C, p.Asn907His (NM_001145808.2); short protein forms N906H, N907H.
Identifiers: ClinVar variation 3663721 (VCV003663721.2).

ClinVar aggregate classification (germline): Uncertain significance (1 of 4 stars; one submission).

Submission:

Labcorp Genetics (formerly Invitae), Labcorp
Classification: Uncertain significance. Last evaluated: 2024-10-22. Review status: criteria provided, single submitter. Criteria: Invitae Variant Classification Sherloc (09022015). Collection method: clinical testing. Allele origin: germline.
Comment: This sequence change replaces asparagine, which is neutral and polar, with histidine, which is basic and polar, at codon 906 of the ITGAM protein (p.Asn906His). This variant is not present in population databases (gnomAD no frequency). This variant has not been reported in the literature in individuals affected with ITGAM-related conditions. An algorithm developed to predict the effect of missense changes on protein structure and function (PolyPhen-2) suggests that this variant is likely to be disruptive. In summary, the available evidence is currently insufficient to determine the role of this variant in disease. Therefore, it has been classified as a Variant of Uncertain Significance.